The following is an entry in ClinVar:

NM_001042492.3(NF1):c.6995C>T (p.Ser2332Leu)

Gene: NF1 (neurofibromin 1; plus strand). Cytogenetic location: 17q11.2.
Variant type: single nucleotide variant.
Coding change: c.6995C>T on transcript NM_001042492.3 (MANE Select); coding-DNA position 6995, C replaced by T.
Protein change: p.Ser2332Leu; replaces serine 2332 with leucine.
Molecular consequence: missense variant.
Genome position (GRCh38, 1-based): chr17:31,340,578, C>T. VCF-style: chr17-31340578-C-T. GRCh37 (hg19) VCF-style: chr17-29667596-C-T.
Other names: c.6932C>T, p.Ser2311Leu (NM_000267.4); short protein forms S2311L, S2332L.
Identifiers: ClinVar variation 3634594 (VCV003634594.2).

ClinVar aggregate classification (germline): Uncertain significance (1 of 4 stars; one submission).

Conditions:
Neurofibromatosis, type 1 (NF1). Also called: VON RECKLINGHAUSEN DISEASE; Peripheral type neurofibromatosis; NEUROFIBROMATOSIS, TYPE I, SOMATIC; Neurofibromatosis, type I. Identifiers: Orphanet 636, MedGen C0027831, MONDO:0018975, OMIM 162200. Disease mechanism: loss of function.

Submission:

Labcorp Genetics (formerly Invitae), Labcorp
Classification: Uncertain significance for Neurofibromatosis, type 1. Last evaluated: 2024-04-26. Review status: criteria provided, single submitter. Criteria: Invitae Variant Classification Sherloc (09022015). Collection method: clinical testing. Allele origin: germline.
Comment: This sequence change replaces serine, which is neutral and polar, with leucine, which is neutral and non-polar, at codon 2311 of the NF1 protein (p.Ser2311Leu). This variant is not present in population databases (gnomAD no frequency). This variant has not been reported in the literature in individuals affected with NF1-related conditions. Advanced modeling of protein sequence and biophysical properties (such as structural, functional, and spatial information, amino acid conservation, physicochemical variation, residue mobility, and thermodynamic stability) has been performed at Invitae for this missense variant, however the output from this modeling did not meet the statistical confidence thresholds required to predict the impact of this variant on NF1 protein function. In summary, the available evidence is currently insufficient to determine the role of this variant in disease. Therefore, it has been classified as a Variant of Uncertain Significance.